The following is an entry in ClinVar:

ClinVar aggregate classification (germline): Likely benign. Review status: criteria provided, single submitter (1 of 4 stars). 2 submissions from 2 submitters: Likely benign (1). 1 of the submissions does not count toward it. Last evaluated 2024-05-27.

Conditions:
ACTN4-related disorder. Also called: ACTN4-related condition.

Allele frequency attached by ClinVar (database versions not stated): gnomAD 0.00003; TOPMed 0.00005; ExAC 0.00008.
gnomAD v4.1: 141 of 1,613,958 alleles (0.0087%); highest among the groups gnomAD compares: Admixed American, 0.018%; no homozygotes.

Submissions (2):

Labcorp Genetics (formerly Invitae), Labcorp
Classification: Likely benign. Last evaluated: 2024-05-27. Review status: criteria provided, single submitter. Criteria: Invitae Variant Classification Sherloc (09022015). Collection method: clinical testing. Allele origin: germline.

PreventionGenetics, part of Exact Sciences
Classification: Likely benign for ACTN4-related condition. Last evaluated: 2019-06-11. Review status: no assertion criteria provided. Collection method: clinical testing. Allele origin: germline. Not counted in ClinVar's aggregate classification.
Comment: This variant is classified as likely benign based on ACMG/AMP sequence variant interpretation guidelines (Richards et al. 2015 PMID: 25741868, with internal and published modifications).

NM_004924.6(ACTN4):c.1095C>T (p.Arg365=)

Gene: ACTN4 (actinin alpha 4; plus strand). Cytogenetic location: 19q13.2.
Variant type: single nucleotide variant.
Coding change: c.1095C>T on transcript NM_004924.6 (MANE Select); coding-DNA position 1095, C replaced by T.
Protein change: p.Arg365=; no amino-acid change (arginine 365 retained).
Molecular consequence: synonymous variant.
Genome position (GRCh38, 1-based): chr19:38,717,268, C>T. VCF-style: chr19-38717268-C-T. GRCh37 (hg19) VCF-style: chr19-39207908-C-T.
Other names: c.1095C>T, p.Arg365= (NM_001322033.2, NM_001411143.1).
Identifiers: ClinVar variation 3034216 (VCV003034216.4), dbSNP rs757869339, ClinGen allele CA9417517.
Genomic context (GRCh38, chr19:38,717,268, plus strand): 5'-CAAGGTGCAGGAGAAGTGCCAGCTGGAGATCAACTTCAACACGCTGCAGACCAAGCTGCG[C>T]CTCAGCAACCGGCCCGCCTTCATGCCCTCCGAGGGCAAGATGGTCTCGGTGAGCACCAGG-3'
Protein context (NP_004915.2, residues 355-375): INFNTLQTKL[Arg365=]LSNRPAFMPS